The following is an entry in ClinVar:

NM_003890.3(FCGBP):c.3765A>G (p.Ser1255=)

Gene: FCGBP (Fc gamma binding protein; minus strand). Cytogenetic location: 19q13.2.
Variant type: single nucleotide variant.
Coding change: c.3765A>G on transcript NM_003890.3 (MANE Select); coding-DNA position 3765, A replaced by G.
Protein change: p.Ser1255=; no amino-acid change (serine 1255 retained).
Molecular consequence: synonymous variant.
Identifiers: ClinVar variation 4820964 (VCV004820964.1).

ClinVar aggregate classification (germline): Likely benign (1 of 4 stars; one submission).

Submission:

CeGaT Center for Human Genetics Tuebingen
Classification: Likely benign. Last evaluated: 2026-02-01. Review status: criteria provided, single submitter. Criteria: CeGaT Center For Human Genetics Tuebingen Variant Classification Criteria Version 2. Collection method: clinical testing. Allele origin: germline. Affected: yes. Observed: 1 variant allele.
Comment: FCGBP: PM2:Supporting, BP4, BP7